The following is an entry in ClinVar:

NM_018192.4(P3H2):c.1453-2A>G

Gene: P3H2 (prolyl 3-hydroxylase 2; minus strand). Cytogenetic location: 3q28.
Variant type: single nucleotide variant.
Coding change: c.1453-2A>G on transcript NM_018192.4 (MANE Select); the canonical splice acceptor site of the intron before coding-DNA position 1453, A replaced by G.
Molecular consequence: splice acceptor variant.
Genome position (GRCh38, 1-based): chr3:189,974,006, T>C on the plus strand (A>G on the coding strand, the complement: P3H2 is on the minus strand). VCF-style: chr3-189974006-T-C. GRCh37 (hg19) VCF-style: chr3-189691795-T-C.
Other names: c.910-2A>G (NM_001134418.2).
Identifiers: ClinVar variation 3612574 (VCV003612574.2).
Genomic context (GRCh38, chr3:189,974,006, plus strand): 5'-TCATTGGGTGTATGGGGTGAAGTTTTTCCTCTGTATCCATCACCAACAAGCATGATTCCC[T>C]GGAAGCAAATACAAGAAGATACGTCATCAATGATAACTATGAATTCATCAGGTCTTTTTC-3'

ClinVar aggregate classification (germline): Likely pathogenic (1 of 4 stars; one submission).

gnomAD v4.1: 5 of 1,609,426 alleles (0.00031%); highest among the groups gnomAD compares: Admixed American, 0.0017%; no homozygotes.

Submission:

Labcorp Genetics (formerly Invitae), Labcorp
Classification: Likely pathogenic. Last evaluated: 2024-07-16. Review status: criteria provided, single submitter. Criteria: Invitae Variant Classification Sherloc (09022015). Collection method: clinical testing. Allele origin: germline.
Comment: This sequence change affects an acceptor splice site in intron 9 of the P3H2 gene. It is expected to disrupt RNA splicing. Variants that disrupt the donor or acceptor splice site typically lead to a loss of protein function (PMID: 16199547), and loss-of-function variants in P3H2 are known to be pathogenic (PMID: 24172257, 25469533). This variant is present in population databases (no rsID available, gnomAD 0.0009%). This variant has not been reported in the literature in individuals affected with P3H2-related conditions. Algorithms developed to predict the effect of sequence changes on RNA splicing suggest that this variant may disrupt the consensus splice site. In summary, the currently available evidence indicates that the variant is pathogenic, but additional data are needed to prove that conclusively. Therefore, this variant has been classified as Likely Pathogenic.

Literature cited by the submitters: PubMed 16199547; PubMed 24172257; PubMed 25469533.